The following is an entry in ClinVar:

ClinVar aggregate classification (germline): Uncertain significance (1 of 4 stars; one submission).

Submission:

Labcorp Genetics (formerly Invitae), Labcorp
Classification: Uncertain significance. Last evaluated: 2022-01-15. Review status: criteria provided, single submitter. Criteria: Invitae Variant Classification Sherloc (09022015). Collection method: clinical testing. Allele origin: germline.
Comment: This sequence change replaces valine, which is neutral and non-polar, with isoleucine, which is neutral and non-polar, at codon 476 of the DARS protein (p.Val476Ile). This variant is not present in population databases (gnomAD no frequency). This variant has not been reported in the literature in individuals affected with DARS-related conditions. Algorithms developed to predict the effect of missense changes on protein structure and function (SIFT, PolyPhen-2, Align-GVGD) all suggest that this variant is likely to be disruptive. In summary, the available evidence is currently insufficient to determine the role of this variant in disease. Therefore, it has been classified as a Variant of Uncertain Significance.

NM_001349.4(DARS1):c.1426G>A (p.Val476Ile)

Gene: DARS1 (aspartyl-tRNA synthetase 1; minus strand). Cytogenetic location: 2q21.3.
Variant type: single nucleotide variant.
Coding change: c.1426G>A on transcript NM_001349.4 (MANE Select); coding-DNA position 1426, G replaced by A.
Protein change: p.Val476Ile; replaces valine 476 with isoleucine.
Molecular consequence: missense variant.
Genome position (GRCh38, 1-based): chr2:135,907,396, C>T on the plus strand (G>A on the coding strand, the complement: DARS1 is on the minus strand). VCF-style: chr2-135907396-C-T. GRCh37 (hg19) VCF-style: chr2-136664966-C-T.
Other names: c.1126G>A, p.Val376Ile (NM_001293312.1); short protein forms V476I, V376I.
Identifiers: ClinVar variation 2083742 (VCV002083742.4), dbSNP rs2467342620, ClinGen allele CA348606962.